The following is an entry in ClinVar:

ClinVar aggregate classification (germline): Likely benign (1 of 4 stars; one submission).

Conditions:
PLXNA3-related disorder. Also called: PLXNA3-related condition.

gnomAD v4.1: 4 of 1,210,018 alleles (0.00033%); highest among the groups gnomAD compares: Non-Finnish European, 0.00034%; no homozygotes.

Submission:

PreventionGenetics, part of Exact Sciences
Classification: Likely benign for PLXNA3-related condition. Last evaluated: 2025-08-28. Review status: criteria provided, single submitter. Criteria: ACMG Guidelines, 2015. Collection method: clinical testing. Allele origin: germline.
Comment: This variant is classified as likely benign based on ACMG/AMP sequence variant interpretation guidelines (Richards et al. 2015 PMID: 25741868, with internal and published modifications).

NM_017514.5(PLXNA3):c.4152G>A (p.Lys1384=)

Gene: PLXNA3 (plexin A3; plus strand). Cytogenetic location: Xq28.
Variant type: single nucleotide variant.
Coding change: c.4152G>A on transcript NM_017514.5 (MANE Select); coding-DNA position 4152, G replaced by A.
Protein change: p.Lys1384=; no amino-acid change (lysine 1384 retained).
Molecular consequence: synonymous variant.
Genome position (GRCh38, 1-based): chrX:154,468,491, G>A. VCF-style: chrX-154468491-G-A. GRCh37 (hg19) VCF-style: chrX-153696834-G-A.
Identifiers: ClinVar variation 5000805 (VCV005000805.1).